The following is an entry in ClinVar:

ClinVar aggregate classification (germline): Uncertain significance (1 of 4 stars; one submission).

Conditions:
Hereditary cancer-predisposing syndrome. Also called: Hereditary neoplastic syndrome; Neoplastic Syndromes, Hereditary; Tumor predisposition; Hereditary Cancer Syndrome. Identifiers: Orphanet 140162, MedGen C0027672, MeSH D009386, MONDO:0015356.

Submission:

Ambry Genetics
Classification: Uncertain significance for Hereditary cancer-predisposing syndrome. Last evaluated: 2024-12-17. Review status: criteria provided, single submitter. Criteria: Ambry Variant Classification Scheme 2023. Collection method: clinical testing. Allele origin: germline.
Comment: The p.A202V variant (also known as c.605C>T), located in coding exon 5 of the EGFR gene, results from a C to T substitution at nucleotide position 605. The alanine at codon 202 is replaced by valine, an amino acid with similar properties. This amino acid position is poorly conserved in available vertebrate species. In addition, this alteration is predicted to be tolerated by in silico analysis. Based on the available evidence, the clinical significance of this variant remains unclear.

NM_005228.5(EGFR):c.605C>T (p.Ala202Val)

Gene: EGFR (epidermal growth factor receptor; plus strand). Cytogenetic location: 7p11.2.
Variant type: single nucleotide variant.
Coding change: c.605C>T on transcript NM_005228.5 (MANE Select); coding-DNA position 605, C replaced by T.
Protein change: p.Ala202Val; replaces alanine 202 with valine.
Molecular consequence: missense variant. On other transcripts: intron variant (1).
Genome position (GRCh38, 1-based): chr7:55,151,339, C>T. VCF-style: chr7-55151339-C-T. GRCh37 (hg19) VCF-style: chr7-55219032-C-T.
Other names: c.470C>T, p.Ala157Val (NM_001346897.2, NM_001346899.2); c.605C>T, p.Ala202Val (NM_001346898.2, NM_201282.2, NM_201283.2 and 1 more transcripts); c.446C>T, p.Ala149Val (NM_001346900.2); c.89-4491C>T (NM_001346941.2); short protein forms A149V, A202V, A157V.
Identifiers: ClinVar variation 3843754 (VCV003843754.1).